The following is an entry in ClinVar:

NM_001134665.3(TRMT10A):c.23dup (p.Phe9fs)

Gene: TRMT10A (tRNA methyltransferase 10A; minus strand). Cytogenetic location: 4q23.
Variant type: Duplication.
Coding change: c.23dup on transcript NM_001134665.3 (MANE Select); coding-DNA position 23, one base duplicated (C; older notation c.23dupC).
Protein change: p.Phe9fs; shifts the reading frame from phenylalanine 9.
Molecular consequence: frameshift variant.
Genome position (GRCh38, 1-based): chr4:99,559,316, G duplicated on the plus strand (C on the coding strand, the reverse complement: TRMT10A is on the minus strand). VCF-style (leftmost placement, unchanged base first): chr4-99559315-T-TG. GRCh37 (hg19) VCF-style: chr4-100480472-T-TG.
Other names: c.23dup, p.Phe9fs (NM_001375882.1, NM_152292.5, NM_001134666.3 and 2 more transcripts); c.23dupC (NM_152292.4, NM_152292.5); c.23dup (NM_152292.4); short protein forms F9fs.
Identifiers: ClinVar variation 1332859 (VCV001332859.6), dbSNP rs1383664881, ClinGen allele CA553568375.

ClinVar aggregate classification (germline): Pathogenic/Likely pathogenic. Review status: criteria provided, multiple submitters, no conflicts (2 of 4 stars). 4 submissions from 4 submitters: Pathogenic (2); Likely pathogenic (2). Last evaluated 2026-02-20.

Conditions:
Microcephaly, short stature, and impaired glucose metabolism 1 (MSSGM1). Identifiers: Orphanet 391408, MedGen C4014997, MONDO:0000208, OMIM 616033.
TRMT10A-related disorder. Also called: TRMT10A-related condition.

Allele frequency attached by ClinVar (database versions not stated): gnomAD exomes below 0.00001.

Submissions (4):

PreventionGenetics, part of Exact Sciences
Classification: Likely pathogenic for TRMT10A-related condition. Last evaluated: 2026-02-20. Review status: criteria provided, single submitter. Criteria: ACMG Guidelines, 2015. Collection method: clinical testing. Allele origin: germline.
Comment: The TRMT10A c.23dupC variant is predicted to result in a frameshift and premature protein termination (p.Phe9Ilefs*3). This variant was reported in the homozygous state in individuals with microcephaly, short stature and and impaired glucose metabolism (Narayanan et al. 2021. PubMed ID: 34276053; Uçan Tokuç et al. 2024. PubMed ID: 38302348). This variant is reported in 0.0033% of alleles in individuals of South Asian descent in gnomAD. Frameshift variants in TRMT10A are expected to be pathogenic. This variant is interpreted as likely pathogenic.

GeneDx
Classification: Pathogenic. Last evaluated: 2025-05-24. Review status: criteria provided, single submitter. Criteria: GeneDx Variant Classification Process June 2021. Collection method: clinical testing. Allele origin: germline.
Comment: Frameshift variant predicted to result in protein truncation or nonsense mediated decay in a gene for which loss of function is a known mechanism of disease; Not observed at significant frequency in large population cohorts (gnomAD); This variant is associated with the following publications: (PMID: 38302348, 34276053)

Blueprint Genetics
Classification: Likely pathogenic for TRMT10A-related disorders. Last evaluated: 2024-02-07. Review status: criteria provided, single submitter. Criteria: ACMG Guidelines, 2015. Collection method: clinical testing. Allele origin: germline. Affected: yes. Observed: 1 variant allele.

Kasturba Medical College, Manipal, Kasturba Medical College, Manipal, Manipal Academy of Higher Education, Manipal, India
Classification: Pathogenic for Microcephaly, short stature, and impaired glucose metabolism 1. Review status: criteria provided, single submitter. Criteria: ACMG Guidelines, 2015. Collection method: clinical testing. Allele origin: inherited. Inheritance: Autosomal recessive inheritance. Affected: yes.